The following is an entry in ClinVar:

NM_001605.3(AARS1):c.71C>T (p.Thr24Met)

Gene: AARS1 (alanyl-tRNA synthetase 1; minus strand). Cytogenetic location: 16q22.1.
Variant type: single nucleotide variant.
Coding change: c.71C>T on transcript NM_001605.3 (MANE Select); coding-DNA position 71, C replaced by T.
Protein change: p.Thr24Met; replaces threonine 24 with methionine.
Molecular consequence: missense variant.
Genome position (GRCh38, 1-based): chr16:70,282,693, G>A on the plus strand (C>T on the coding strand, the complement: AARS1 is on the minus strand). VCF-style: chr16-70282693-G-A. GRCh37 (hg19) VCF-style: chr16-70316596-G-A.
Other names: short protein forms T24M.
Identifiers: ClinVar variation 1682336 (VCV001682336.13), dbSNP rs1227942516, ClinGen allele CA396570546.

ClinVar aggregate classification (germline): Uncertain significance. Review status: criteria provided, multiple submitters, no conflicts (2 of 4 stars). 3 submissions from 3 submitters: Uncertain significance (3). Last evaluated 2025-06-18.

Conditions:
Charcot-Marie-Tooth disease type 2. Also called: Charcot-Marie-Tooth type 2. Identifiers: Orphanet 64746, MedGen C0270914, MONDO:0018993.
Inborn genetic diseases. Identifiers: MedGen C0950123, MeSH D030342.

Allele frequency attached by ClinVar (database versions not stated): gnomAD 0.00001; gnomAD exomes 0.00001 and below 0.00001; TOPMed 0.00002.

Submissions (3):

Labcorp Genetics (formerly Invitae), Labcorp
Classification: Uncertain significance for Charcot-Marie-Tooth disease type 2. Last evaluated: 2025-06-18. Review status: criteria provided, single submitter. Criteria: Invitae Variant Classification Sherloc (09022015). Collection method: clinical testing. Allele origin: germline.
Comment: This sequence change replaces threonine, which is neutral and polar, with methionine, which is neutral and non-polar, at codon 24 of the AARS protein (p.Thr24Met). This variant is present in population databases (no rsID available, gnomAD 0.002%). This variant has not been reported in the literature in individuals affected with AARS-related conditions. ClinVar contains an entry for this variant (Variation ID: 1682336). Invitae Evidence Modeling of protein sequence and biophysical properties (such as structural, functional, and spatial information, amino acid conservation, physicochemical variation, residue mobility, and thermodynamic stability) indicates that this missense variant is not expected to disrupt AARS protein function with a negative predictive value of 95%. In summary, the available evidence is currently insufficient to determine the role of this variant in disease. Therefore, it has been classified as a Variant of Uncertain Significance.

GeneDx
Classification: Uncertain significance. Last evaluated: 2023-07-27. Review status: criteria provided, single submitter. Criteria: GeneDx Variant Classification Process June 2021. Collection method: clinical testing. Allele origin: germline.
Comment: Not observed at significant frequency in large population cohorts (gnomAD); In silico analysis supports that this missense variant does not alter protein structure/function; Has not been previously published as pathogenic or benign to our knowledge; This variant is associated with the following publications: (PMID: 25817015)

Ambry Genetics
Classification: Uncertain significance for Inborn genetic diseases. Last evaluated: 2020-03-23. Review status: criteria provided, single submitter. Criteria: Ambry Variant Classification Scheme 2023. Collection method: clinical testing. Allele origin: germline.
Comment: The p.T24M variant (also known as c.71C>T), located in coding exon 1 of the AARS gene, results from a C to T substitution at nucleotide position 71. The threonine at codon 24 is replaced by methionine, an amino acid with similar properties. This amino acid position is highly conserved through mammals but not in all available vertebrate species. In addition, this alteration is predicted to be tolerated by in silico analysis. Since supporting evidence is limited at this time, the clinical significance of this alteration remains unclear.